The following is an entry in ClinVar:

NM_002519.3(NPAT):c.268G>C (p.Asp90His)

Gene: NPAT (nuclear protein, coactivator of histone transcription; minus strand). Cytogenetic location: 11q22.3.
Variant type: single nucleotide variant.
Coding change: c.268G>C on transcript NM_002519.3 (MANE Select); coding-DNA position 268, G replaced by C.
Protein change: p.Asp90His; replaces aspartic acid 90 with histidine.
Molecular consequence: missense variant.
Genome position (GRCh38, 1-based): chr11:108,192,140, C>G on the plus strand (G>C on the coding strand, the complement: NPAT is on the minus strand). VCF-style: chr11-108192140-C-G. GRCh37 (hg19) VCF-style: chr11-108062867-C-G.
Other names: c.268G>C, p.Asp90His (NM_001321307.1); short protein forms D90H.
Identifiers: ClinVar variation 2587685 (VCV002587685.2), dbSNP rs2496751300, ClinGen allele CA382526578.

ClinVar aggregate classification (germline): Uncertain significance (1 of 4 stars; one submission).

Submission:

Ambry Genetics
Classification: Uncertain significance. Last evaluated: 2023-08-30. Review status: criteria provided, single submitter. Criteria: Ambry Variant Classification Scheme 2023. Collection method: clinical testing. Allele origin: germline.
Comment: The p.D90H variant (also known as c.268G>C), located in coding exon 4 of the NPAT gene, results from a G to C substitution at nucleotide position 268. The aspartic acid at codon 90 is replaced by histidine, an amino acid with similar properties. This amino acid position is conserved. In addition, the in silico prediction for this alteration is inconclusive. Since supporting evidence is limited at this time, the clinical significance of this alteration remains unclear.